The following is an entry in ClinVar:

NM_000218.3(KCNQ1):c.1795-8033_1795-8031del

Gene: KCNQ1 (potassium voltage-gated channel subfamily Q member 1; plus strand). Cytogenetic location: 11p15.4.
Variant type: Deletion.
Coding change: c.1795-8033_1795-8031del on transcript NM_000218.3 (MANE Select); 8033 bases into the intron before coding-DNA position 1795 through 8031 bases into the intron before coding-DNA position 1795, 3 bases deleted (TCT; older notation c.1795-8033_1795-8031delTCT).
Molecular consequence: intron variant.
Genome position (GRCh38, 1-based): chr11:2,839,734-2,839,736, TCT deleted; deleting any 3 consecutive bases within chr11:2,839,732-2,839,736 gives the same sequence; the c. name uses the placement nearest the transcript's 3' end. VCF-style (leftmost placement, unchanged base first): chr11-2839731-CCTT-C. GRCh37 (hg19) VCF-style: chr11-2860961-CCTT-C.
Other names: c.1525-8033_1525-8031del (NM_001406837.1); c.1699-8033_1699-8031del (NM_001406836.1); c.1255-8033_1255-8031del (NM_001406838.1); c.1414-8033_1414-8031del (NM_181798.2); c.307-8033_307-8031del (NM_001406839.1).
Identifiers: ClinVar variation 4822313 (VCV004822313.4).

ClinVar aggregate classification (germline): Likely benign (1 of 4 stars; one submission).

Submission:

CeGaT Center for Human Genetics Tuebingen
Classification: Likely benign. Last evaluated: 2026-08-01. Review status: criteria provided, single submitter. Criteria: CeGaT Center For Human Genetics Tuebingen Variant Classification Criteria Version 2. Collection method: clinical testing. Allele origin: germline. Affected: yes. Observed: 3 variant alleles.
Comment: KCNQ1: PM4, BS2